The following is an entry in ClinVar:

NM_198578.4(LRRK2):c.6854C>T (p.Ala2285Val)

Gene: LRRK2 (leucine rich repeat kinase 2; plus strand). Cytogenetic location: 12q12.
Variant type: single nucleotide variant.
Coding change: c.6854C>T on transcript NM_198578.4 (MANE Select); coding-DNA position 6854, C replaced by T.
Protein change: p.Ala2285Val; replaces alanine 2285 with valine.
Molecular consequence: missense variant.
Genome position (GRCh38, 1-based): chr12:40,359,270, C>T. VCF-style: chr12-40359270-C-T. GRCh37 (hg19) VCF-style: chr12-40753072-C-T.
Other names: short protein forms A2285V.
Identifiers: ClinVar variation 1755809 (VCV001755809.2), dbSNP rs1946633498, ClinGen allele CA384411290.

ClinVar aggregate classification (germline): Uncertain significance (1 of 4 stars; one submission).

Conditions:
Inborn genetic diseases. Identifiers: MedGen C0950123, MeSH D030342.

Allele frequency attached by ClinVar (database versions not stated): gnomAD exomes below 0.00001; gnomAD 0.00001.

Submission:

Ambry Genetics
Classification: Uncertain significance for Inborn genetic diseases. Last evaluated: 2021-11-21. Review status: criteria provided, single submitter. Criteria: Ambry Variant Classification Scheme 2023. Collection method: clinical testing. Allele origin: germline.
Comment: The p.A2285V variant (also known as c.6854C>T), located in coding exon 47 of the LRRK2 gene, results from a C to T substitution at nucleotide position 6854. The alanine at codon 2285 is replaced by valine, an amino acid with similar properties. This amino acid position is conserved. In addition, this alteration is predicted to be tolerated by in silico analysis. Since supporting evidence is limited at this time, the clinical significance of this alteration remains unclear.